The following is an entry in ClinVar:

ClinVar aggregate classification (germline): Benign. Review status: criteria provided, multiple submitters, no conflicts (2 of 4 stars). 2 submissions from 2 submitters: Benign (2). Last evaluated 2018-06-19.

Allele frequency attached by ClinVar (database versions not stated): gnomAD exomes 0.17623; gnomAD 0.28362 and 0.29249; TOPMed 0.29937; 1000 Genomes Project 0.30451; 1000 Genomes Project 30x 0.31246.
gnomAD v4.1: 119,111 of 580,124 alleles (21%); highest among the groups gnomAD compares: African/African-American, 57%; 16,605 homozygotes.

Submissions (2):

GeneDx
Classification: Benign. Last evaluated: 2018-06-19. Review status: criteria provided, single submitter. Criteria: GeneDx Variant Classification (06012015). Collection method: clinical testing. Allele origin: germline. Affected: yes.
Comment: This variant is considered likely benign or benign based on one or more of the following criteria: it is a conservative change, it occurs at a poorly conserved position in the protein, it is predicted to be benign by multiple in silico algorithms, and/or has population frequency not consistent with disease.

Breakthrough Genomics
Classification: Benign. Review status: criteria provided, single submitter. Criteria: ACMG Guidelines, 2015. Collection method: not provided. Allele origin: germline. Inheritance: Autosomal recessive inheritance. Affected: yes.

NM_001199397.3(NEK1):c.868+143T>A

Gene: NEK1 (NIMA related kinase 1; minus strand). Cytogenetic location: 4q33.
Variant type: single nucleotide variant.
Coding change: c.868+143T>A on transcript NM_001199397.3 (MANE Select); 143 bases into the intron after coding-DNA position 868, T replaced by A.
Molecular consequence: intron variant.
Genome position (GRCh38, 1-based): chr4:169,580,699, A>T on the plus strand (T>A on the coding strand, the complement: NEK1 is on the minus strand). VCF-style: chr4-169580699-A-T. GRCh37 (hg19) VCF-style: chr4-170501850-A-T.
Other names: c.868+143T>A (NM_001374421.1, NM_001374420.1, NM_001199399.3 and 7 more transcripts).
Identifiers: ClinVar variation 667908 (VCV000667908.2), dbSNP rs7665092, ClinGen allele CA109918044.